The following is an entry in ClinVar:

ClinVar aggregate classification (germline): Uncertain significance (1 of 4 stars; one submission).

gnomAD v4.1: 2 of 1,614,084 alleles (0.00012%); highest among the groups gnomAD compares: Non-Finnish European, 0.00017%; no homozygotes.

Submission:

Labcorp Genetics (formerly Invitae), Labcorp
Classification: Uncertain significance. Last evaluated: 2025-09-11. Review status: criteria provided, single submitter. Criteria: Invitae Variant Classification Sherloc (09022015). Collection method: clinical testing. Allele origin: germline.
Comment: This sequence change replaces tyrosine, which is neutral and polar, with cysteine, which is neutral and slightly polar, at codon 164 of the COX4I2 protein (p.Tyr164Cys). This variant is not present in population databases (gnomAD no frequency). This variant has not been reported in the literature in individuals affected with COX4I2-related conditions. An algorithm developed to predict the effect of missense changes on protein structure and function (PolyPhen-2) suggests that this variant is likely to be disruptive. In summary, the available evidence is currently insufficient to determine the role of this variant in disease. Therefore, it has been classified as a Variant of Uncertain Significance.

NM_032609.3(COX4I2):c.491A>G (p.Tyr164Cys)

Gene: COX4I2 (cytochrome c oxidase subunit 4I2; plus strand). Cytogenetic location: 20q11.21.
Variant type: single nucleotide variant.
Coding change: c.491A>G on transcript NM_032609.3 (MANE Select); coding-DNA position 491, A replaced by G.
Protein change: p.Tyr164Cys; replaces tyrosine 164 with cysteine.
Molecular consequence: missense variant.
Genome position (GRCh38, 1-based): chr20:31,644,879, A>G. VCF-style: chr20-31644879-A-G. GRCh37 (hg19) VCF-style: chr20-30232682-A-G.
Other names: short protein forms Y164C.
Identifiers: ClinVar variation 4764621 (VCV004764621.1).